The following is an entry in ClinVar:

ClinVar aggregate classification (germline): Benign. Review status: criteria provided, multiple submitters, no conflicts (2 of 4 stars). 3 submissions from 3 submitters: Benign (2). 1 of the submissions does not count toward it. Last evaluated 2019-12-31.

Conditions:
DLG1-related disorder. Also called: DLG1-related condition.

Allele frequency attached by ClinVar (database versions not stated): gnomAD exomes 0.00208 and 0.00074; 1000 Genomes Project 0.00799; gnomAD 0.00817 and 0.00890; 1000 Genomes Project 30x 0.00812; ESP Exome Variant Server 0.00907; TOPMed 0.00960; ExAC 0.00263.
gnomAD v4.1: 2,372 of 1,613,218 alleles (0.15%); highest among the groups gnomAD compares: African/African-American, 2.7%; 17 homozygotes.

Submissions (3):

Labcorp Genetics (formerly Invitae), Labcorp
Classification: Benign. Last evaluated: 2019-12-31. Review status: criteria provided, single submitter. Criteria: Invitae Variant Classification Sherloc (09022015). Collection method: clinical testing. Allele origin: germline.

Breakthrough Genomics
Classification: Benign. Review status: criteria provided, single submitter. Criteria: ACMG Guidelines, 2015. Collection method: not provided. Allele origin: germline. Inheritance: Unknown mechanism. Affected: yes.

PreventionGenetics, part of Exact Sciences
Classification: Benign for DLG1-related condition. Last evaluated: 2021-02-03. Review status: no assertion criteria provided. Collection method: clinical testing. Allele origin: germline. Not counted in ClinVar's aggregate classification.
Comment: This variant is classified as benign based on ACMG/AMP sequence variant interpretation guidelines (Richards et al. 2015 PMID: 25741868, with internal and published modifications).

NM_001366207.1(DLG1):c.1410T>C (p.Ser470=)

Gene: DLG1 (discs large MAGUK scaffold protein 1; minus strand). Cytogenetic location: 3q29.
Variant type: single nucleotide variant.
Coding change: c.1410T>C on transcript NM_001366207.1 (MANE Select); coding-DNA position 1410, T replaced by C.
Protein change: p.Ser470=; no amino-acid change (serine 470 retained).
Molecular consequence: synonymous variant. On other transcripts: non-coding transcript variant (4).
Genome position (GRCh38, 1-based): chr3:197,115,960, A>G on the plus strand (T>C on the coding strand, the complement: DLG1 is on the minus strand). VCF-style: chr3-197115960-A-G. GRCh37 (hg19) VCF-style: chr3-196842831-A-G.
Other names: c.1509T>C, p.Ser503= (NM_001098424.1, NM_001290983.2, NM_001366214.1 and 2 more transcripts); c.1410T>C, p.Ser470= (NM_001204386.1, NM_001363865.1, NM_001366204.1 and 9 more transcripts); c.1161T>C, p.Ser387= (NM_001204387.2, NM_001204388.2); c.1356T>C, p.Ser452= (NM_001366203.1, NM_001366206.1, NM_001366216.1 and 2 more transcripts); c.1260T>C, p.Ser420= (NM_001366221.1, NM_001366222.1).
Identifiers: ClinVar variation 784030 (VCV000784030.7), dbSNP rs79212676, ClinGen allele CA2785483.
Genomic context (GRCh38, chr3:197,115,960, plus strand): 5'-AACGTGATCTTGACTAACGTGTCTTACCGATATAATACGATCTCCTTTTCTGAGCTCTCC[A>G]CTTAGATCAGCAGGTCCTCCGGCTAAGATAAAGGAAATAAATATTCCTTCTCCATCTTCT-3'
Protein context (NP_001353136.1, residues 460-480): FILAGGPADL[Ser470=]GELRKGDRII